The following is an entry in ClinVar:

NM_001943.5(DSG2):c.437G>T (p.Arg146Leu)

Gene: DSG2 (desmoglein 2; plus strand). Cytogenetic location: 18q12.1.
Variant type: single nucleotide variant.
Coding change: c.437G>T on transcript NM_001943.5 (MANE Select); coding-DNA position 437, G replaced by T.
Protein change: p.Arg146Leu; replaces arginine 146 with leucine.
Molecular consequence: missense variant.
Genome position (GRCh38, 1-based): chr18:31,521,157, G>T. VCF-style: chr18-31521157-G-T. GRCh37 (hg19) VCF-style: chr18-29101120-G-T.
Other names: p.R146L:CGC>CTC; short protein forms R146L.
Identifiers: ClinVar variation 44317 (VCV000044317.89), dbSNP rs113451409, ClinGen allele CA022101.

ClinVar aggregate classification (germline): Conflicting classifications of pathogenicity. Review status: criteria provided, conflicting classifications (1 of 4 stars). 20 submissions from 20 submitters: Uncertain significance (4); Likely benign (10). 6 of the submissions do not count toward it. Last evaluated 2026-02-01.

Conditions:
Cardiovascular phenotype. Identifiers: MedGen CN230736.
Cardiomyopathy (CMYO). Also called: Cardiomyopathies. Identifiers: Orphanet 167848, MedGen C0878544, MONDO:0004994, HP:0001638. Inheritance: Various modes of inheritance.
Arrhythmogenic right ventricular dysplasia 10. Also called: Arrhythmogenic Right Ventricular Dysplasia/Cardiomyopathy10; Arrhythmogenic right ventricular dysplasia/cardiomyopathy, type 10; ARRHYTHMOGENIC RIGHT VENTRICULAR DYSPLASIA, FAMILIAL, 10. Identifiers: MedGen C1857777, MONDO:0012434, OMIM 610193.
Hypertrophic cardiomyopathy. Also called: HYPERTROPHIC MYOCARDIOPATHY. Identifiers: Orphanet 217569, MedGen C0007194, MeSH D002312, MONDO:0005045, HP:0001639.

Allele frequency attached by ClinVar (database versions not stated): 1000 Genomes Project 30x 0.00031; ExAC 0.00031; TOPMed 0.00045; gnomAD 0.00054; ESP Exome Variant Server 0.00075.
gnomAD v4.1: 1,259 of 1,613,814 alleles (0.078%); highest among the groups gnomAD compares: Non-Finnish European, 0.1%; no homozygotes.

Submissions (20):

Labcorp Genetics (formerly Invitae), Labcorp
Classification: Likely benign for Arrhythmogenic right ventricular dysplasia 10. Last evaluated: 2026-02-01. Review status: criteria provided, single submitter. Criteria: Invitae Variant Classification Sherloc (09022015). Collection method: clinical testing. Allele origin: germline.

CeGaT Center for Human Genetics Tuebingen
Classification: Likely benign. Last evaluated: 2025-08-01. Review status: criteria provided, single submitter. Criteria: CeGaT Center For Human Genetics Tuebingen Variant Classification Criteria Version 2. Collection method: clinical testing. Allele origin: germline. Affected: yes. Observed: 2 variant alleles.
Comment: DSG2: BP4

Blueprint Genetics
Classification: Likely benign. Last evaluated: 2024-11-06. Review status: criteria provided, single submitter. Criteria: ACMG Guidelines, 2015. Collection method: clinical testing. Allele origin: germline.

Women's Health and Genetics/Laboratory Corporation of America, LabCorp
Classification: Likely benign. Last evaluated: 2024-06-05. Review status: criteria provided, single submitter. Criteria: LabCorp Variant Classification Summary - May 2015. Collection method: clinical testing. Allele origin: germline.
Comment: Variant summary: DSG2 c.437G>T (p.Arg146Leu) results in a non-conservative amino acid change located in the Cadherin-like domain (Cadherin-like) of the encoded protein sequence. Three of five in-silico tools predict a damaging effect of the variant on protein function. The variant allele was found at a frequency of 0.00039 in 249344 control chromosomes, predominantly at a frequency of 0.00076 within the Non-Finnish European subpopulation in the gnomAD database. The observed variant frequency within Non-Finnish European control individuals in the gnomAD database is approximately 3 fold of the estimated maximal expected allele frequency for a pathogenic variant in DSG2 causing Arrhythmogenic Right Ventricular Dysplasia/Cardiomyopathy phenotype (0.00025). c.437G>T has been reported in the literature in individuals affected with Arrhythmogenic Right Ventricular Dysplasia/Cardiomyopathy (Mellor_2017, Nagyova_2023, Fressart_2010). These report(s) do not provide unequivocal conclusions about association of the variant with Arrhythmogenic Right Ventricular Dysplasia/Cardiomyopathy. Co-occurrence with another pathogenic variant has been reported in one individual with Arrhythmogenic Right Ventricular Cardiomyopathy (PKP2 c.235C>T, p.Arg79X) (Nagyova_2023), providing supporting evidence for a benign role. The following publications have been ascertained in the context of this evaluation (PMID: 20400443, 28600387, 37418234). ClinVar contains an entry for this variant (Variation ID: 44317). Based on the evidence outlined above, the variant was classified as likely benign.

GeneDx
Classification: Likely benign. Last evaluated: 2024-03-19. Review status: criteria provided, single submitter. Criteria: GeneDx Variant Classification Process June 2021. Collection method: clinical testing. Allele origin: germline. Affected: yes.
Comment: See Variant Classification Assertion Criteria.

ARUP Laboratories, Molecular Genetics and Genomics, ARUP Laboratories
Classification: Uncertain significance. Last evaluated: 2023-09-04. Review status: criteria provided, single submitter. Criteria: ARUP Molecular Germline Variant Investigation Process 2024. Collection method: clinical testing. Allele origin: germline.

CHEO Genetics Diagnostic Laboratory, Children's Hospital of Eastern Ontario
Classification: Likely benign for Cardiomyopathy. Last evaluated: 2023-06-14. Review status: criteria provided, single submitter. Criteria: ACMG Guidelines, 2015. Collection method: clinical testing. Allele origin: germline. Study: Canadian Open Genetics Repository.

Victorian Clinical Genetics Services, Murdoch Childrens Research Institute
Classification: Likely benign for Arrhythmogenic right ventricular dysplasia 10. Last evaluated: 2021-05-06. Review status: criteria provided, single submitter. Criteria: ACMG Guidelines, 2015. Collection method: clinical testing. Allele origin: germline. Affected: yes.
Comment: Based on the classification scheme VCGS_Germline_v1.3.4, this variant is classified as Likely benign. Following criteria are met: 0103 - Loss of function and gain of function are reported mechanisms of disease in this gene and are associated with arrhythmogenic right ventricular dysplasia 10 (ARVD; MIM#610193) and dilated cardiomyopathy 1BB (DCM; MIM#612877) (ClinVar, PMID: 23071725). (I) 0108 - This gene is associated with both recessive and dominant disease. It is commonly associated to dominant inheritance, however recessive has been reported in severe DCM patients (OMIM). (I) 0112 - The ARVD condition associated with this gene has incomplete penetrance (OMIM). (I) 0200 - Variant is predicted to result in a missense amino acid change from arginine to leucine. (I) 0251 - This variant is heterozygous. (I) 0308 - Population frequency for this variant is out of keeping with known incidence of arrhythmogenic right ventricular dysplasia 10 (MIM#610193) and dilated cardiomyopathy 1BB (MIM#612877). (SB) 0309 - Multiple alternative amino acid changes at the same position have been observed in gnomAD v2 (highest allele count: 2 heterozygotes, 0 homozygotes). (I) 0502 - Missense variant with conflicting in silico predictions and uninformative conservation. (I) 0600 - Variant is located in the annotated cadherin domain (NCBI, Uniprot). (I) 0708 - Another missense variant comparable to the one identified in this case has conflicting previous evidence for pathogenicity. p.(Arg146His) has been reported as likely benign (LOVD) and VUS (LOVD, ClinVar) in a clinical setting. (I) 0808 - Previous reports of pathogenicity for this variant are conflicting. It has been reported as likely benign and VUS (LOVD, ClinVar, PMID: 23861362). In addition, it has been described as a VUS in an individual with ARVC who also harboured a pathogenic variant in PKP2 (PMID: 20400443) and in an individual with idiopathic sudden cardiac arrest (PMID: 28600387). (I) 1007 - No published functional evidence has been identified for this variant. (I) 1208 - Inheritance information for this variant is not currently available in this individual. (I) Legend: (SP) - Supporting pathogenic, (I) - Information, (SB) - Supporting benign

Ambry Genetics
Classification: Likely benign for Cardiovascular phenotype. Last evaluated: 2020-03-10. Review status: criteria provided, single submitter. Criteria: Ambry Variant Classification Scheme 2023. Collection method: clinical testing. Allele origin: germline.

Color Diagnostics, LLC DBA Color Health
Classification: Likely benign for Cardiomyopathy. Last evaluated: 2019-10-28. Review status: criteria provided, single submitter. Criteria: ACMG Guidelines, 2015. Collection method: clinical testing. Allele origin: germline.

Center for Advanced Laboratory Medicine, UC San Diego Health, University of California San Diego
Classification: Uncertain significance for Hypertrophic cardiomyopathy. Last evaluated: 2018-10-30. Review status: criteria provided, single submitter. Criteria: ACMG Guidelines, 2015. Collection method: clinical testing. Allele origin: germline. Affected: yes. Observed: 1 variant allele.

Illumina Laboratory Services, Illumina
Classification: Uncertain significance for Arrhythmogenic right ventricular dysplasia 10. Last evaluated: 2018-01-12. Review status: criteria provided, single submitter. Criteria: ICSL Variant Classification Criteria 13 December 2019. Collection method: clinical testing. Allele origin: germline.

Biesecker Lab/Clinical Genomics Section, National Institutes of Health
Classification: Likely benign. Last evaluated: 2013-06-24. Review status: criteria provided, single submitter. Criteria: Ng et al. (Circ Cardiovasc Genet. 2013). Collection method: research. Allele origin: unknown. Observed: 1 variant allele. Study: ClinSeq.
Comment: The study set was not selected for affection status in relation to any cancer. Pathogenicity categories were based on literature curation. See Pubmed ID:23861362 for details.

Medical sequencing

Stanford Center for Inherited Cardiovascular Disease, Stanford University
Classification: Uncertain significance. Last evaluated: 2013-04-25. Review status: criteria provided, single submitter. Criteria: ACMG Guidelines, 2015. Collection method: provider interpretation. Allele origin: germline.

Laboratory for Molecular Medicine, Mass General Brigham Personalized Medicine
Classification: Uncertain significance. Last evaluated: 2009-09-21. Review status: no assertion criteria provided. Collection method: clinical testing. Allele origin: germline. Observed: 1 variant allele. Not counted in ClinVar's aggregate classification.

Clinical Genetics DNA and cytogenetics Diagnostics Lab, Erasmus MC, Erasmus Medical Center
Classification: Likely benign. Review status: no assertion criteria provided. Collection method: clinical testing. Allele origin: germline. Affected: yes. Study: VKGL Data-share Consensus. Not counted in ClinVar's aggregate classification.

Clinical Genetics, Academic Medical Center
Classification: Likely benign. Review status: no assertion criteria provided. Collection method: clinical testing. Allele origin: germline. Affected: yes. Study: VKGL Data-share Consensus. Not counted in ClinVar's aggregate classification.

Diagnostic Laboratory, Department of Genetics, University Medical Center Groningen
Classification: Likely benign. Review status: no assertion criteria provided. Collection method: clinical testing. Allele origin: germline. Affected: yes. Study: VKGL Data-share Consensus. Not counted in ClinVar's aggregate classification.

Genome Diagnostics Laboratory, University Medical Center Utrecht
Classification: Likely benign. Review status: no assertion criteria provided. Collection method: clinical testing. Allele origin: germline. Affected: yes. Study: VKGL Data-share Consensus. Not counted in ClinVar's aggregate classification.

Joint Genome Diagnostic Labs from Nijmegen and Maastricht, Radboudumc and MUMC+
Classification: Likely benign. Review status: no assertion criteria provided. Collection method: clinical testing. Allele origin: germline. Affected: yes. Study: VKGL Data-share Consensus. Not counted in ClinVar's aggregate classification.

Literature cited by the submitters: PubMed 20400443 (cited by 3 submitters); PubMed 28600387 (cited by 3 submitters); PubMed 37418234 (cited by Women's Health and Genetics/Laboratory Corporation of America, LabCorp); PubMed 23071725 (cited by Victorian Clinical Genetics Services, Murdoch Childrens Research Institute); PubMed 23861362 (cited by Victorian Clinical Genetics Services, Murdoch Childrens Research Institute); PubMed 24070718 (cited by Ambry Genetics).